The following is an entry in ClinVar:

NM_001128840.3(CACNA1D):c.346C>G (p.Arg116Gly)

Gene: CACNA1D (calcium voltage-gated channel subunit alpha1 D; plus strand). Cytogenetic location: 3p21.1.
Variant type: single nucleotide variant.
Coding change: c.346C>G on transcript NM_001128840.3 (MANE Select); coding-DNA position 346, C replaced by G.
Protein change: p.Arg116Gly; replaces arginine 116 with glycine.
Molecular consequence: missense variant.
Genome position (GRCh38, 1-based): chr3:53,497,430, C>G. VCF-style: chr3-53497430-C-G. GRCh37 (hg19) VCF-style: chr3-53531457-C-G.
Other names: c.346C>G, p.Arg116Gly (NM_000720.4, NM_001128839.3); short protein forms R116G.
Identifiers: ClinVar variation 4538805 (VCV004538805.1).

ClinVar aggregate classification (germline): Uncertain significance (1 of 4 stars; one submission).

Submission:

GeneDx
Classification: Uncertain significance. Last evaluated: 2025-06-16. Review status: criteria provided, single submitter. Criteria: GeneDx Variant Classification Process June 2021. Collection method: clinical testing. Allele origin: germline. Affected: yes.
Comment: Not observed at significant frequency in large population cohorts (gnomAD); In silico analysis supports that this missense variant has a deleterious effect on protein structure/function; Has not been previously published as pathogenic or benign to our knowledge.